The following is an entry in ClinVar:

NM_006379.5(SEMA3C):c.123C>G (p.Thr41=)

Gene: SEMA3C (semaphorin 3C; minus strand). Cytogenetic location: 7q21.11.
Variant type: single nucleotide variant.
Coding change: c.123C>G on transcript NM_006379.5 (MANE Select); coding-DNA position 123, C replaced by G.
Protein change: p.Thr41=; no amino-acid change (threonine 41 retained).
Molecular consequence: synonymous variant. On other transcripts: 5 prime UTR variant (1).
Genome position (GRCh38, 1-based): chr7:80,828,726, G>C on the plus strand (C>G on the coding strand, the complement: SEMA3C is on the minus strand). VCF-style: chr7-80828726-G-C. GRCh37 (hg19) VCF-style: chr7-80458042-G-C.
Other names: c.177C>G, p.Thr59= (NM_001350120.2); c.-52C>G (NM_001350121.2).
Identifiers: ClinVar variation 4991690 (VCV004991690.1).

ClinVar aggregate classification (germline): Likely benign (1 of 4 stars; one submission).

Conditions:
SEMA3C-related disorder. Also called: SEMA3C-related condition.

Submission:

PreventionGenetics, part of Exact Sciences
Classification: Likely benign for SEMA3C-related condition. Last evaluated: 2026-04-16. Review status: criteria provided, single submitter. Criteria: ACMG Guidelines, 2015. Collection method: clinical testing. Allele origin: germline.
Comment: This variant is classified as likely benign based on ACMG/AMP sequence variant interpretation guidelines (Richards et al. 2015 PMID: 25741868, with internal and published modifications).